The following is an entry in ClinVar:

ClinVar aggregate classification (germline): Uncertain significance (1 of 4 stars; one submission).

Allele frequency attached by ClinVar (database versions not stated): TOPMed below 0.00001; ExAC 0.00001; gnomAD exomes 0.00001.
gnomAD v4.1: 3 of 1,605,232 alleles (0.00019%); highest among the groups gnomAD compares: Admixed American, 0.0052%; no homozygotes.

Submission:

Labcorp Genetics (formerly Invitae), Labcorp
Classification: Uncertain significance. Last evaluated: 2024-10-18. Review status: criteria provided, single submitter. Criteria: Invitae Variant Classification Sherloc (09022015). Collection method: clinical testing. Allele origin: germline.
Comment: This sequence change replaces isoleucine, which is neutral and non-polar, with valine, which is neutral and non-polar, at codon 173 of the PPA2 protein (p.Ile173Val). This variant is present in population databases (rs745745034, gnomAD 0.009%). This variant has not been reported in the literature in individuals affected with PPA2-related conditions. ClinVar contains an entry for this variant (Variation ID: 2422211). An algorithm developed to predict the effect of missense changes on protein structure and function outputs the following: PolyPhen-2: "Probably Damaging". The valine amino acid residue is found in multiple mammalian species, which suggests that this missense change does not adversely affect protein function. In summary, the available evidence is currently insufficient to determine the role of this variant in disease. Therefore, it has been classified as a Variant of Uncertain Significance.

NM_176869.3(PPA2):c.517A>G (p.Ile173Val)

Gene: PPA2 (inorganic pyrophosphatase 2; minus strand). Cytogenetic location: 4q24.
Variant type: single nucleotide variant.
Coding change: c.517A>G on transcript NM_176869.3 (MANE Select); coding-DNA position 517, A replaced by G.
Protein change: p.Ile173Val; replaces isoleucine 173 with valine.
Molecular consequence: missense variant. On other transcripts: intron variant (3).
Genome position (GRCh38, 1-based): chr4:105,437,961, T>C on the plus strand (A>G on the coding strand, the complement: PPA2 is on the minus strand). VCF-style: chr4-105437961-T-C. GRCh37 (hg19) VCF-style: chr4-106359118-T-C.
Other names: c.157+35933A>G (NM_176867.3); c.223-13639A>G (NM_176866.2); c.441+8422A>G (NM_006903.4); short protein forms I173V.
Identifiers: ClinVar variation 2422211 (VCV002422211.6), dbSNP rs745745034, ClinGen allele CA3032508.
Genomic context (GRCh38, chr4:105,437,961, plus strand): 5'-TGAATAAACCAAAACTCACGTTAGAATTAATACAGTCTATAAAACAAACCTTTGAGCCTA[T>C]TTCGCAAACATCAATAGGATCATTATCTCCAAAGCAGTTCGTGCTCTTATCTTTTTCATG-3'
Protein context (NP_789845.1, residues 163-183): GDNDPIDVCE[Ile173Val]GSKILSCGEV